The following is an entry in ClinVar:

ClinVar aggregate classification (germline): Uncertain significance (1 of 4 stars; one submission).

Conditions:
Immunodeficiency 51 (IMD51). Also called: CANDIDIASIS, FAMILIAL, 5. Identifiers: Orphanet 1334, MedGen C4310803, MONDO:0013500, OMIM 613953.

Allele frequency attached by ClinVar (database versions not stated): TOPMed below 0.00001.
gnomAD v4.1: 3 of 1,597,738 alleles (0.00019%); highest among the groups gnomAD compares: Admixed American, 0.0017%; no homozygotes.

Submission:

Labcorp Genetics (formerly Invitae), Labcorp
Classification: Uncertain significance for Immunodeficiency 51. Last evaluated: 2019-01-28. Review status: criteria provided, single submitter. Criteria: Invitae Variant Classification Sherloc (09022015). Collection method: clinical testing. Allele origin: germline.
Comment: In summary, the available evidence is currently insufficient to determine the role of this variant in disease. Therefore, it has been classified as a Variant of Uncertain Significance. Algorithms developed to predict the effect of missense changes on protein structure and function output the following: SIFT: "Tolerated"; PolyPhen-2: "Benign"; Align-GVGD: "Class C0". The aspartic acid amino acid residue is found in multiple mammalian species, suggesting that this missense change does not adversely affect protein function. These predictions have not been confirmed by published functional studies and their clinical significance is uncertain. This variant has not been reported in the literature in individuals with IL17RA-related conditions. This variant is not present in population databases (ExAC no frequency). This sequence change replaces glycine with aspartic acid at codon 767 of the IL17RA protein (p.Gly767Asp). The glycine residue is weakly conserved and there is a moderate physicochemical difference between glycine and aspartic acid.

NM_014339.7(IL17RA):c.2300G>A (p.Gly767Asp)

Gene: IL17RA (interleukin 17 receptor A; plus strand). Cytogenetic location: 22q11.1.
Variant type: single nucleotide variant.
Coding change: c.2300G>A on transcript NM_014339.7 (MANE Select); coding-DNA position 2300, G replaced by A.
Protein change: p.Gly767Asp; replaces glycine 767 with aspartic acid.
Molecular consequence: missense variant.
Genome position (GRCh38, 1-based): chr22:17,109,519, G>A. VCF-style: chr22-17109519-G-A. GRCh37 (hg19) VCF-style: chr22-17590409-G-A.
Other names: c.2198G>A, p.Gly733Asp (NM_001289905.2); short protein forms G733D, G767D.
Identifiers: ClinVar variation 858134 (VCV000858134.9), dbSNP rs1568924302, ClinGen allele CA410221716.